The following is an entry in ClinVar:

NM_012330.4(KAT6B):c.1874T>C (p.Phe625Ser)

Gene: KAT6B (lysine acetyltransferase 6B; plus strand). Cytogenetic location: 10q22.2.
Variant type: single nucleotide variant.
Coding change: c.1874T>C on transcript NM_012330.4 (MANE Select); coding-DNA position 1874, T replaced by C.
Protein change: p.Phe625Ser; replaces phenylalanine 625 with serine.
Molecular consequence: missense variant. On other transcripts: intron variant (13).
Genome position (GRCh38, 1-based): chr10:74,976,211, T>C. VCF-style: chr10-74976211-T-C. GRCh37 (hg19) VCF-style: chr10-76735969-T-C.
Other names: c.1874T>C, p.Phe625Ser (NM_001370136.1, NM_001370137.1); c.1117+757T>C (NM_001370139.1, NM_001370140.1, NM_001370141.1 and 3 more transcripts); c.1444+430T>C (NM_001370138.1, NM_001256468.2); c.846+6436T>C (NM_001370133.1); c.193-3013T>C (NM_001370134.1); c.929-1105T>C (NM_001370143.1, NM_001370144.1); c.193-12808T>C (NM_001370135.1); short protein forms F625S.
Identifiers: ClinVar variation 3359881 (VCV003359881.3).
Genomic context (GRCh38, chr10:74,976,211, plus strand): 5'-GCTGGGGGATGGCTAGAGGAAGTATTTTTAAAGCAATTGCTCACTTCAAGCGAACAACTT[T>C]CCTTAAAAAGCACAGGATGCTAGGCAGATTAAAATATAAAGTGACCCCTCAGATGGGGAC-3'
Protein context (NP_036462.2, residues 615-635): KAIAHFKRTT[Phe625Ser]LKKHRMLGRL

ClinVar aggregate classification (germline): Uncertain significance. Review status: criteria provided, multiple submitters, no conflicts (2 of 4 stars). 2 submissions from 2 submitters: Uncertain significance (2). Last evaluated 2025-12-20.

Conditions:
Genitopatellar syndrome (GTPTS). Also called: Genitopatellar syndrome (GPS); ABSENT PATELLAE, SCROTAL HYPOPLASIA, RENAL ANOMALIES, FACIAL DYSMORPHISM, AND MENTAL RETARDATION. Identifiers: Orphanet 85201, MedGen C1853566, MONDO:0011640, OMIM 606170.

gnomAD v4.1: 25 of 1,613,988 alleles (0.0015%); highest among the groups gnomAD compares: Non-Finnish European, 0.0021%; no homozygotes.

Submissions (2):

Labcorp Genetics (formerly Invitae), Labcorp
Classification: Uncertain significance for Genitopatellar syndrome. Last evaluated: 2025-12-20. Review status: criteria provided, single submitter. Criteria: Invitae Variant Classification Sherloc (09022015). Collection method: clinical testing. Allele origin: germline.
Comment: This sequence change replaces phenylalanine, which is neutral and non-polar, with serine, which is neutral and polar, at codon 625 of the KAT6B protein (p.Phe625Ser). This variant is present in population databases (rs760605044, gnomAD 0.002%). This variant has not been reported in the literature in individuals affected with KAT6B-related conditions. ClinVar contains an entry for this variant (Variation ID: 3359881). An algorithm developed to predict the effect of missense changes on protein structure and function (PolyPhen-2) suggests that this variant is likely to be tolerated. In summary, the available evidence is currently insufficient to determine the role of this variant in disease. Therefore, it has been classified as a Variant of Uncertain Significance.

GeneDx
Classification: Uncertain significance. Last evaluated: 2023-06-15. Review status: criteria provided, single submitter. Criteria: GeneDx Variant Classification Process June 2021. Collection method: clinical testing. Allele origin: germline. Affected: yes.
Comment: In silico analysis supports that this missense variant does not alter protein structure/function; Has not been previously published as pathogenic or benign to our knowledge